The following is an entry in ClinVar:

NM_033100.4(CDHR1):c.640-14C>A

Gene: CDHR1 (cadherin related family member 1; plus strand). Cytogenetic location: 10q23.1.
Variant type: single nucleotide variant.
Coding change: c.640-14C>A on transcript NM_033100.4 (MANE Select); 14 bases into the intron before coding-DNA position 640, C replaced by A.
Molecular consequence: intron variant.
Genome position (GRCh38, 1-based): chr10:84,202,966, C>A. VCF-style: chr10-84202966-C-A. GRCh37 (hg19) VCF-style: chr10-85962722-C-A.
Other names: c.640-14C>A (NM_001171971.3).
Identifiers: ClinVar variation 1935440 (VCV001935440.5), dbSNP rs376451005, ClinGen allele CA1924448008.

ClinVar aggregate classification (germline): Uncertain significance (1 of 4 stars; one submission).

gnomAD v4.1: 1 of 1,614,146 alleles (0.000062%); highest among the groups gnomAD compares: Admixed American, 0.0017%; no homozygotes.

Submission:

Labcorp Genetics (formerly Invitae), Labcorp
Classification: Uncertain significance. Last evaluated: 2022-02-04. Review status: criteria provided, single submitter. Criteria: Invitae Variant Classification Sherloc (09022015). Collection method: clinical testing. Allele origin: germline.
Comment: This sequence change falls in intron 7 of the CDHR1 gene. It does not directly change the encoded amino acid sequence of the CDHR1 protein. This variant is not present in population databases (gnomAD no frequency). In summary, the available evidence is currently insufficient to determine the role of this variant in disease. Therefore, it has been classified as a Variant of Uncertain Significance. Algorithms developed to predict the effect of sequence changes on RNA splicing suggest that this variant may create or strengthen a splice site. This variant has not been reported in the literature in individuals affected with CDHR1-related conditions.